The following is an entry in ClinVar:

ClinVar aggregate classification (germline): Uncertain significance (1 of 4 stars; one submission).

Allele frequency attached by ClinVar (database versions not stated): gnomAD exomes below 0.00001.
gnomAD v4.1: 2 of 1,614,122 alleles (0.00012%); highest among the groups gnomAD compares: Non-Finnish European, 0.000085%; no homozygotes.

Submission:

GeneDx
Classification: Uncertain significance. Last evaluated: 2019-07-17. Review status: criteria provided, single submitter. Criteria: GeneDx Variant Classification Process June 2021. Collection method: clinical testing. Allele origin: germline. Affected: yes.
Comment: Not observed in large population cohorts (Lek et al., 2016); In silico analysis, which includes splice predictors and evolutionary conservation, supports a deleterious effect; Has not been previously published as pathogenic or benign to our knowledge

NM_014444.5(TUBGCP4):c.1015-5C>G

Gene: TUBGCP4 (tubulin gamma complex component 4; plus strand). Cytogenetic location: 15q15.3.
Variant type: single nucleotide variant.
Coding change: c.1015-5C>G on transcript NM_014444.5 (MANE Select); 5 bases into the intron before coding-DNA position 1015, C replaced by G.
Molecular consequence: intron variant.
Genome position (GRCh38, 1-based): chr15:43,395,102, C>G. VCF-style: chr15-43395102-C-G. GRCh37 (hg19) VCF-style: chr15-43687300-C-G.
Other names: c.1015-5C>G (NM_001286414.3).
Identifiers: ClinVar variation 1302571 (VCV001302571.2), dbSNP rs775816285, ClinGen allele CA269998715.
Genomic context (GRCh38, chr15:43,395,102, plus strand): 5'-ACCATTCTTTGCAGGAGTTCTCACTGTAATGAAATTTGTCCCTGTTTTGTTGGTTGTTTT[C>G]ATAGCATCTCTGGAAGTTGATGGTAGAAGAATCCGATTTACTGGGTCAGCTGAAGGTAAT-3'